The following is an entry in ClinVar:

NM_001999.4(FBN2):c.1988A>C (p.Gln663Pro)

Gene: FBN2 (fibrillin 2; minus strand). Cytogenetic location: 5q23.3.
Variant type: single nucleotide variant.
Coding change: c.1988A>C on transcript NM_001999.4 (MANE Select); coding-DNA position 1988, A replaced by C.
Protein change: p.Gln663Pro; replaces glutamine 663 with proline.
Molecular consequence: missense variant.
Genome position (GRCh38, 1-based): chr5:128,374,735, T>G on the plus strand (A>C on the coding strand, the complement: FBN2 is on the minus strand). VCF-style: chr5-128374735-T-G. GRCh37 (hg19) VCF-style: chr5-127710428-T-G.
Other names: short protein forms Q663P.
Identifiers: ClinVar variation 213282 (VCV000213282.9), dbSNP rs863223556, ClinGen allele CA320607.

ClinVar aggregate classification (germline): Uncertain significance. Review status: criteria provided, multiple submitters, no conflicts (2 of 4 stars). 3 submissions from 3 submitters: Uncertain significance (3). Last evaluated 2026-01-06.

Conditions:
Familial thoracic aortic aneurysm and aortic dissection (TAAD). Also called: Thoracic aortic aneurysms and dissections. Identifiers: Orphanet 91387, MedGen C4707243, MONDO:0019625.
Congenital contractural arachnodactyly (CCA). Also called: Arthrogryposis, distal, type 9; BEALS SYNDROME; Beals-Hecht syndrome. Identifiers: Orphanet 115, MedGen C0220668, MONDO:0007363, OMIM 121050.

gnomAD v4.1: 2 of 1,613,916 alleles (0.00012%); highest among the groups gnomAD compares: Non-Finnish European, 0.00017%; no homozygotes.

Submissions (3):

Ambry Genetics
Classification: Uncertain significance for Familial thoracic aortic aneurysm and aortic dissection. Last evaluated: 2026-01-06. Review status: criteria provided, single submitter. Criteria: Ambry Variant Classification Scheme 2023. Collection method: clinical testing. Allele origin: germline.
Comment: The p.Q663P variant (also known as c.1988A>C), located in coding exon 15 of the FBN2 gene, results from an A to C substitution at nucleotide position 1988. The glutamine at codon 663 is replaced by proline, an amino acid with similar properties. This amino acid position is conserved. In addition, this alteration is predicted to be deleterious by in silico analysis. Based on the available evidence, the clinical significance of this variant remains unclear.

Labcorp Genetics (formerly Invitae), Labcorp
Classification: Uncertain significance for Congenital contractural arachnodactyly. Last evaluated: 2025-01-22. Review status: criteria provided, single submitter. Criteria: Invitae Variant Classification Sherloc (09022015). Collection method: clinical testing. Allele origin: germline.
Comment: This sequence change replaces glutamine, which is neutral and polar, with proline, which is neutral and non-polar, at codon 663 of the FBN2 protein (p.Gln663Pro). This variant is not present in population databases (gnomAD no frequency). This variant has not been reported in the literature in individuals affected with FBN2-related conditions. ClinVar contains an entry for this variant (Variation ID: 213282). Invitae Evidence Modeling of protein sequence and biophysical properties (such as structural, functional, and spatial information, amino acid conservation, physicochemical variation, residue mobility, and thermodynamic stability) indicates that this missense variant is not expected to disrupt FBN2 protein function with a negative predictive value of 80%. In summary, the available evidence is currently insufficient to determine the role of this variant in disease. Therefore, it has been classified as a Variant of Uncertain Significance.

GeneDx
Classification: Uncertain significance. Last evaluated: 2022-09-23. Review status: criteria provided, single submitter. Criteria: GeneDx Variant Classification Process June 2021. Collection method: clinical testing. Allele origin: germline. Affected: yes.
Comment: Not observed at significant frequency in large population cohorts (gnomAD); In silico analysis supports that this missense variant has a deleterious effect on protein structure/function; Has not been previously published as pathogenic or benign to our knowledge; Although located in a calcium-binding EGF-like domain of the FBN2 gene, it does not substitute or introduce a cysteine residue (Callewaert et al., 2009; Frederic et al., 2009); This variant is associated with the following publications: (PMID: 19006240, 18767143)